The following is an entry in ClinVar:

NM_001080421.3(UNC13A):c.1083T>C (p.Arg361=)

Gene: UNC13A (unc-13 homolog A; minus strand). Cytogenetic location: 19p13.11.
Variant type: single nucleotide variant.
Coding change: c.1083T>C on transcript NM_001080421.3 (MANE Select); coding-DNA position 1083, T replaced by C.
Protein change: p.Arg361=; no amino-acid change (arginine 361 retained).
Molecular consequence: synonymous variant.
Genome position (GRCh38, 1-based): chr19:17,656,083, A>G on the plus strand (T>C on the coding strand, the complement: UNC13A is on the minus strand). VCF-style: chr19-17656083-A-G. GRCh37 (hg19) VCF-style: chr19-17766892-A-G.
Other names: c.1083T>C, p.Arg361= (NM_001387021.1, NM_001387022.1, NM_001387023.1).
Identifiers: ClinVar variation 5041541 (VCV005041541.1).

ClinVar aggregate classification (germline): Likely benign (1 of 4 stars; one submission).

gnomAD v4.1: 1 of 1,553,452 alleles (0.000064%); highest among the groups gnomAD compares: Non-Finnish European, 0.000087%; no homozygotes.

Submission:

CeGaT Center for Human Genetics Tuebingen
Classification: Likely benign. Last evaluated: 2026-09-01. Review status: criteria provided, single submitter. Criteria: CeGaT Center For Human Genetics Tuebingen Variant Classification Criteria Version 2. Collection method: clinical testing. Allele origin: germline. Affected: yes. Observed: 1 variant allele.
Comment: UNC13A: BP4, BP7